The following is an entry in ClinVar:

NM_013275.6(ANKRD11):c.2857G>T (p.Asp953Tyr)

Gene: ANKRD11 (ankyrin repeat domain 11; minus strand). Cytogenetic location: 16q24.3.
Variant type: single nucleotide variant.
Coding change: c.2857G>T on transcript NM_013275.6 (MANE Select); coding-DNA position 2857, G replaced by T.
Protein change: p.Asp953Tyr; replaces aspartic acid 953 with tyrosine.
Molecular consequence: missense variant.
Genome position (GRCh38, 1-based): chr16:89,283,685, C>A on the plus strand (G>T on the coding strand, the complement: ANKRD11 is on the minus strand). VCF-style: chr16-89283685-C-A. GRCh37 (hg19) VCF-style: chr16-89350093-C-A.
Other names: c.2857G>T, p.Asp953Tyr (NM_001256182.2, NM_001256183.2); short protein forms D953Y.
Identifiers: ClinVar variation 2166773 (VCV002166773.4), dbSNP rs2034445786, ClinGen allele CA397161135.

ClinVar aggregate classification (germline): Uncertain significance (1 of 4 stars; one submission).

Conditions:
KBG syndrome (KBGS). Also called: ANKRD11-Related KBG Syndrome. Identifiers: Orphanet 2332, MedGen C0220687, MONDO:0007846, OMIM 148050.

Allele frequency attached by ClinVar (database versions not stated): gnomAD exomes below 0.00001; TOPMed below 0.00001.
gnomAD v4.1: 4 of 1,613,064 alleles (0.00025%); highest among the groups gnomAD compares: Non-Finnish European, 0.00034%; no homozygotes.

Submission:

Labcorp Genetics (formerly Invitae), Labcorp
Classification: Uncertain significance for KBG syndrome. Last evaluated: 2024-10-30. Review status: criteria provided, single submitter. Criteria: Invitae Variant Classification Sherloc (09022015). Collection method: clinical testing. Allele origin: germline.
Comment: This sequence change replaces aspartic acid, which is acidic and polar, with tyrosine, which is neutral and polar, at codon 953 of the ANKRD11 protein (p.Asp953Tyr). This variant is not present in population databases (gnomAD no frequency). This variant has not been reported in the literature in individuals affected with ANKRD11-related conditions. ClinVar contains an entry for this variant (Variation ID: 2166773). Invitae Evidence Modeling of protein sequence and biophysical properties (such as structural, functional, and spatial information, amino acid conservation, physicochemical variation, residue mobility, and thermodynamic stability) indicates that this missense variant is not expected to disrupt ANKRD11 protein function with a negative predictive value of 95%. In summary, the available evidence is currently insufficient to determine the role of this variant in disease. Therefore, it has been classified as a Variant of Uncertain Significance.